The following is an entry in ClinVar:

NM_012064.4(MIP):c.448G>A (p.Asp150Asn)

Gene: MIP (major intrinsic protein of lens fiber; minus strand). Cytogenetic location: 12q13.3.
Variant type: single nucleotide variant.
Coding change: c.448G>A on transcript NM_012064.4 (MANE Select); coding-DNA position 448, G replaced by A.
Protein change: p.Asp150Asn; replaces aspartic acid 150 with asparagine.
Molecular consequence: missense variant.
Genome position (GRCh38, 1-based): chr12:56,453,668, C>T on the plus strand (G>A on the coding strand, the complement: MIP is on the minus strand). VCF-style: chr12-56453668-C-T. GRCh37 (hg19) VCF-style: chr12-56847452-C-T.
Other names: short protein forms D150N.
Identifiers: ClinVar variation 4977039 (VCV004977039.1).
Genomic context (GRCh38, chr12:56,453,668, plus strand): 5'-GGGCAAGGGAGAAGCCAACGGCCAGGGCCACGGAGCCCAGTTGGCCATTCCGCCTCTCGT[C>T]GTATGTGGCAAAGATGCAGAGCACGAACTGGAGCGTCAGGAAGATCTCCACTGTGGTTGC-3'
Protein context (NP_036196.1, residues 140-160): QFVLCIFATY[Asp150Asn]ERRNGQLGSV

ClinVar aggregate classification (germline): Uncertain significance (1 of 4 stars; one submission).

Conditions:
MIP-related disorder. Also called: MIP-related condition.

gnomAD v4.1: 19 of 1,614,088 alleles (0.0012%); highest among the groups gnomAD compares: Admixed American, 0.0083%; no homozygotes.

Submission:

PreventionGenetics, part of Exact Sciences
Classification: Uncertain significance for MIP-related condition. Last evaluated: 2025-08-06. Review status: criteria provided, single submitter. Criteria: ACMG Guidelines, 2015. Collection method: clinical testing. Allele origin: germline.
Comment: The MIP c.448G>A variant is predicted to result in the amino acid substitution p.Asp150Asn. To our knowledge, this variant has not been reported in the literature. This variant is reported in 0.014% of alleles in individuals of Latino descent in gnomAD. Of note, a different variant impacting the same amino acid (p.Asp150His) has been documented in patients with cataracts (Chen et al. 2024. PubMed ID: 38315492) and as segregating within a family with cataracts (Shentu et al. 2015. PubMed ID: 25946197). At this time, the clinical significance of the c.448G>A (p.Asp150Asn) variant is uncertain due to the absence of conclusive functional and genetic evidence.